The following is an entry in ClinVar:

ClinVar aggregate classification (germline): Pathogenic/Likely pathogenic. Review status: criteria provided, multiple submitters, no conflicts (2 of 4 stars). 8 submissions from 8 submitters: Pathogenic (2); Likely pathogenic (4). 2 of the submissions do not count toward it. Last evaluated 2026-08-06.

Conditions:
Autosomal recessive nonsyndromic hearing loss 3. Also called: NEUROSENSORY NONSYNDROMIC RECESSIVE DEAFNESS 3. Identifiers: Orphanet 90636, MedGen C1838263, MONDO:0010860, OMIM 600316.
MYO15A-related disorder. Also called: MYO15A-related condition.
Intellectual disability. Also called: intellectual disabilities; Intellectual functioning disability; Intellectual developmental disorder. Identifiers: MedGen C3714756, MeSH D008607, MONDO:0001071, HP:0001249.

Allele frequency attached by ClinVar (database versions not stated): gnomAD exomes 0.00001 and 0.00002; gnomAD 0.00001; ExAC 0.00001; TOPMed 0.00002.
gnomAD v4.1: 32 of 1,602,656 alleles (0.002%); highest among the groups gnomAD compares: Non-Finnish European, 0.0027%; no homozygotes.

Submissions (8):

OLLIN Analises Genomicas, OLLIN
Classification: Likely pathogenic for Autosomal recessive nonsyndromic hearing loss 3. Last evaluated: 2026-08-06. Review status: criteria provided, single submitter. Criteria: ACMG Guidelines 2015 PMID 25741868. Collection method: clinical testing. Allele origin: germline. Inheritance: Autosomal recessive inheritance.
Comment: This variant, located at the canonical splicing site (splice donor), has been reported in ClinVar (accession VCV001297693.11) and in gnomAD with an allele frequency of 0.002%. However, to our knowledge, it has not been reported in the scientific literature. This variant is predicted to disrupt a canonical splice site, potentially leading to exon skipping, mRNA degradation via nonsense-mediated decay (NMD), or production of a truncated protein. According to the currently available evidence, this variant has been classified as likely pathogenic (PVS1, PM2_P).

PreventionGenetics, part of Exact Sciences
Classification: Likely pathogenic for MYO15A-related condition. Last evaluated: 2026-04-01. Review status: criteria provided, single submitter. Criteria: ACMG Guidelines, 2015. Collection method: clinical testing. Allele origin: germline.
Comment: The MYO15A c.10082+1G>A variant is predicted to disrupt the GT donor site and interfere with normal splicing. To our knowledge, this variant has not been reported in the literature. This variant is reported in 0.0039% of alleles in individuals of European (Non-Finnish) descent in gnomAD. Variants that disrupt the consensus splice donor site in MYO15A are expected to be pathogenic. This variant is interpreted as likely pathogenic.

Clinical Genetics Laboratory, University Hospital Schleswig-Holstein
Classification: Pathogenic for Autosomal recessive nonsyndromic hearing loss 3. Last evaluated: 2025-11-11. Review status: criteria provided, single submitter. Criteria: ACMG Guidelines, 2015. Collection method: clinical testing. Allele origin: germline. Affected: yes. Observed: 1 heterozygote.
Comment: ACMG criteria applied: PM2, PS4_Moderate, PVS1

Fulgent Genetics
Classification: Likely pathogenic for Autosomal recessive nonsyndromic hearing loss 3. Last evaluated: 2024-05-07. Review status: criteria provided, single submitter. Criteria: ACMG Guidelines, 2015. Collection method: clinical testing. Allele origin: germline.

Labcorp Genetics (formerly Invitae), Labcorp
Classification: Likely pathogenic. Last evaluated: 2024-02-23. Review status: criteria provided, single submitter. Criteria: Invitae Variant Classification Sherloc (09022015). Collection method: clinical testing. Allele origin: germline.
Comment: This sequence change affects a donor splice site in intron 62 of the MYO15A gene. It is expected to disrupt RNA splicing. Variants that disrupt the donor or acceptor splice site typically lead to a loss of protein function (PMID: 16199547), and loss-of-function variants in MYO15A are known to be pathogenic (PMID: 17546645). This variant is present in population databases (rs772568482, gnomAD 0.004%). This variant has not been reported in the literature in individuals affected with MYO15A-related conditions. ClinVar contains an entry for this variant (Variation ID: 1297693). Algorithms developed to predict the effect of sequence changes on RNA splicing suggest that this variant may disrupt the consensus splice site. In summary, the currently available evidence indicates that the variant is pathogenic, but additional data are needed to prove that conclusively. Therefore, this variant has been classified as Likely Pathogenic.

Cambridge Genomics Laboratory, East Genomic Laboratory Hub, NHS Genomic Medicine Service
Classification: Pathogenic for Intellectual disability. Last evaluated: 2019-09-11. Review status: criteria provided, single submitter. Criteria: ACGS Best Practice Guidelines for Variant Classification in Rare Disease 2020. Collection method: clinical testing. Allele origin: germline. Affected: yes. Observed: 1 variant allele.

Clinical Genetics DNA and cytogenetics Diagnostics Lab, Erasmus MC, Erasmus Medical Center
Classification: Pathogenic. Review status: no assertion criteria provided. Collection method: clinical testing. Allele origin: germline. Affected: yes. Study: VKGL Data-share Consensus. Not counted in ClinVar's aggregate classification.

Joint Genome Diagnostic Labs from Nijmegen and Maastricht, Radboudumc and MUMC+
Classification: Pathogenic. Review status: no assertion criteria provided. Collection method: clinical testing. Allele origin: germline. Affected: yes. Study: VKGL Data-share Consensus. Not counted in ClinVar's aggregate classification.

Literature cited by the submitters: PubMed 16199547 (cited by Labcorp Genetics (formerly Invitae), Labcorp); PubMed 17546645 (cited by Labcorp Genetics (formerly Invitae), Labcorp).

NM_016239.4(MYO15A):c.10082+1G>A

Gene: MYO15A (myosin XVA; plus strand). Cytogenetic location: 17p11.2.
Variant type: single nucleotide variant.
Coding change: c.10082+1G>A on transcript NM_016239.4 (MANE Select); the canonical splice donor site of the intron after coding-DNA position 10082, G replaced by A.
Molecular consequence: splice donor variant.
Genome position (GRCh38, 1-based): chr17:18,167,724, G>A. VCF-style: chr17-18167724-G-A. GRCh37 (hg19) VCF-style: chr17-18071038-G-A.
Other names: c.10082+1G>A (NM_016239.3).
Identifiers: ClinVar variation 1297693 (VCV001297693.13), dbSNP rs772568482, ClinGen allele CA8425784.